The following is an entry in ClinVar:

NM_001374828.1(ARID1B):c.6278G>C (p.Gly2093Ala)

Gene: ARID1B (AT-rich interaction domain 1B; plus strand). Cytogenetic location: 6q25.3.
Variant type: single nucleotide variant.
Coding change: c.6278G>C on transcript NM_001374828.1 (MANE Select); coding-DNA position 6278, G replaced by C.
Protein change: p.Gly2093Ala; replaces glycine 2093 with alanine.
Molecular consequence: missense variant.
Genome position (GRCh38, 1-based): chr6:157,207,050, G>C. VCF-style: chr6-157207050-G-C. GRCh37 (hg19) VCF-style: chr6-157528184-G-C.
Other names: c.6029G>C, p.Gly2010Ala (NM_001346813.1); c.3779G>C, p.Gly1260Ala (NM_001363725.2); c.6158G>C, p.Gly2053Ala (NM_001371656.1, NM_001374820.1); c.6119G>C, p.Gly2040Ala (NM_017519.3); c.5909G>C, p.Gly1970Ala (NM_020732.3); c.5696G>C, p.Gly1899Ala (NM_175863.2); short protein forms G1260A, G1899A, G1970A, G2010A, G2040A, G2053A, G2093A.
Identifiers: ClinVar variation 2573871 (VCV002573871.1), dbSNP rs2128396057, ClinGen allele CA366247927.

ClinVar aggregate classification (germline): Uncertain significance (1 of 4 stars; one submission).

Submission:

GeneDx
Classification: Uncertain significance. Last evaluated: 2023-01-23. Review status: criteria provided, single submitter. Criteria: GeneDx Variant Classification Process June 2021. Collection method: clinical testing. Allele origin: germline. Affected: yes.
Comment: Not observed at significant frequency in large population cohorts (gnomAD); In silico analysis supports that this missense variant has a deleterious effect on protein structure/function; Has not been previously published as pathogenic or benign to our knowledge